The following is an entry in ClinVar:

NM_000195.5(HPS1):c.706G>C (p.Ala236Pro)

Gene: HPS1 (HPS1 biogenesis of lysosomal organelles complex 3 subunit 1; minus strand). Cytogenetic location: 10q24.2.
Variant type: single nucleotide variant.
Coding change: c.706G>C on transcript NM_000195.5 (MANE Select); coding-DNA position 706, G replaced by C.
Protein change: p.Ala236Pro; replaces alanine 236 with proline.
Molecular consequence: missense variant. On other transcripts: 5 prime UTR variant (3).
Genome position (GRCh38, 1-based): chr10:98,430,633, C>G on the plus strand (G>C on the coding strand, the complement: HPS1 is on the minus strand). VCF-style: chr10-98430633-C-G. GRCh37 (hg19) VCF-style: chr10-100190390-C-G.
Other names: c.-168G>C (NM_001311345.2, NM_001322489.2); c.706G>C, p.Ala236Pro (NM_001322476.2, NM_001322477.2, NM_001322478.2 and 3 more transcripts); c.445G>C, p.Ala149Pro (NM_001322480.2, NM_001322481.2, NM_001322482.2); c.337G>C, p.Ala113Pro (NM_001322483.2, NM_001322484.2, NM_001322485.2); c.-267G>C (NM_001322487.2); c.588G>C, p.Leu196Phe (NM_001322490.2, NM_001322492.2); short protein forms A113P, A236P, A149P, L196F.
Identifiers: ClinVar variation 2051281 (VCV002051281.2), dbSNP rs1462911070, ClinGen allele CA378052126.

ClinVar aggregate classification (germline): Uncertain significance. Review status: criteria provided, multiple submitters, no conflicts (2 of 4 stars). 2 submissions from 2 submitters: Uncertain significance (2). Last evaluated 2024-04-12.

Conditions:
Hermansky-Pudlak syndrome 1 (HPS1). Also called: DELTA STORAGE POOL DISEASE. Identifiers: Orphanet 231500, Orphanet 79430, MedGen C2931875, MONDO:0008748, OMIM 203300.

Allele frequency attached by ClinVar (database versions not stated): gnomAD 0.00001; gnomAD exomes 0.00002; TOPMed 0.00002.
gnomAD v4.1: 10 of 1,555,956 alleles (0.00064%); highest among the groups gnomAD compares: Admixed American, 0.019%; no homozygotes.

Submissions (2):

Fulgent Genetics
Classification: Uncertain significance for Hermansky-Pudlak syndrome 1. Last evaluated: 2024-04-12. Review status: criteria provided, single submitter. Criteria: ACMG Guidelines, 2015. Collection method: clinical testing. Allele origin: germline.

Labcorp Genetics (formerly Invitae), Labcorp
Classification: Uncertain significance. Last evaluated: 2022-08-19. Review status: criteria provided, single submitter. Criteria: Invitae Variant Classification Sherloc (09022015). Collection method: clinical testing. Allele origin: germline.
Comment: This sequence change replaces alanine, which is neutral and non-polar, with proline, which is neutral and non-polar, at codon 236 of the HPS1 protein (p.Ala236Pro). This variant is present in population databases (no rsID available, gnomAD 0.04%). This variant has not been reported in the literature in individuals affected with HPS1-related conditions. Algorithms developed to predict the effect of missense changes on protein structure and function are either unavailable or do not agree on the potential impact of this missense change (SIFT: "Tolerated"; PolyPhen-2: "Possibly Damaging"; Align-GVGD: "Class C0"). In summary, the available evidence is currently insufficient to determine the role of this variant in disease. Therefore, it has been classified as a Variant of Uncertain Significance.